The following is an entry in ClinVar:

NM_000258.3(MYL3):c.32A>G (p.Asp11Gly)

Gene: MYL3 (myosin light chain 3; minus strand). Cytogenetic location: 3p21.31.
Variant type: single nucleotide variant.
Coding change: c.32A>G on transcript NM_000258.3 (MANE Select); coding-DNA position 32, A replaced by G.
Protein change: p.Asp11Gly; replaces aspartic acid 11 with glycine.
Molecular consequence: missense variant.
Genome position (GRCh38, 1-based): chr3:46,863,359, T>C on the plus strand (A>G on the coding strand, the complement: MYL3 is on the minus strand). VCF-style: chr3-46863359-T-C. GRCh37 (hg19) VCF-style: chr3-46904849-T-C.
Other names: c.32A>G, p.Asp11Gly (NM_001406937.1, NM_001406938.1, NM_001406939.1); short protein forms D11G.
Identifiers: ClinVar variation 4779363 (VCV004779363.1).
Genomic context (GRCh38, chr3:46,863,359, plus strand): 5'-CGCTCAGGCTCAGGGGGAGGTGCGGGAGCTGGAGCTGCCTTGGGGGCTGCCTTGGCATCA[T>C]CCTTCTTGGGCTCTGGCTTTTTGGGGGCCATTGGGGGCTGTAAGTACAGAGAGGGATGTG-3'
Protein context (NP_000249.1, residues 1-21): MAPKKPEPKK[Asp11Gly]DAKAAPKAAP

ClinVar aggregate classification (germline): Uncertain significance (1 of 4 stars; one submission).

Conditions:
Hypertrophic cardiomyopathy. Also called: HYPERTROPHIC MYOCARDIOPATHY. Identifiers: Orphanet 217569, MedGen C0007194, MeSH D002312, MONDO:0005045, HP:0001639.

gnomAD v4.1: 1 of 1,613,814 alleles (0.000062%); highest among the groups gnomAD compares: South Asian, 0.0011%; no homozygotes.

Submission:

Labcorp Genetics (formerly Invitae), Labcorp
Classification: Uncertain significance for Hypertrophic cardiomyopathy. Last evaluated: 2025-11-03. Review status: criteria provided, single submitter. Criteria: Invitae Variant Classification Sherloc (09022015). Collection method: clinical testing. Allele origin: germline.
Comment: This sequence change replaces aspartic acid, which is acidic and polar, with glycine, which is neutral and non-polar, at codon 11 of the MYL3 protein (p.Asp11Gly). This variant is not present in population databases (gnomAD no frequency). This variant has not been reported in the literature in individuals affected with MYL3-related conditions. Experimental studies and prediction algorithms are not available or were not evaluated, and the functional significance of this variant is currently unknown. In summary, the available evidence is currently insufficient to determine the role of this variant in disease. Therefore, it has been classified as a Variant of Uncertain Significance.